The following is an entry in ClinVar:

ClinVar aggregate classification (germline): Uncertain significance. Review status: criteria provided, multiple submitters, no conflicts (2 of 4 stars). 2 submissions from 2 submitters: Uncertain significance (2). Last evaluated 2025-08-27.

Conditions:
Autosomal dominant limb-girdle muscular dystrophy type 1D (DNAJB6) (LGMDD1). Also called: MUSCULAR DYSTROPHY, LIMB-GIRDLE, TYPE 1D; Autosomal dominant limb-girdle muscular dystrophy type 1D; Muscular dystrophy, limb-girdle, autosomal dominant 1; MUSCULAR DYSTROPHY, AUTOSOMAL DOMINANT, WITH RIMMED VACUOLES. Identifiers: Orphanet 34516, MedGen C4721885, MONDO:0021018, OMIM 603511.
Inborn genetic diseases. Identifiers: MedGen C0950123, MeSH D030342.

Submissions (2):

Ambry Genetics
Classification: Uncertain significance for Inborn genetic diseases. Last evaluated: 2025-08-27. Review status: criteria provided, single submitter. Criteria: Ambry Variant Classification Scheme 2023. Collection method: clinical testing. Allele origin: germline.

Labcorp Genetics (formerly Invitae), Labcorp
Classification: Uncertain significance for Autosomal dominant limb-girdle muscular dystrophy type 1D (DNAJB6). Last evaluated: 2025-07-22. Review status: criteria provided, single submitter. Criteria: Invitae Variant Classification Sherloc (09022015). Collection method: clinical testing. Allele origin: germline.
Comment: This sequence change replaces arginine, which is basic and polar, with glycine, which is neutral and non-polar, at codon 215 of the DNAJB6 protein (p.Arg215Gly). This variant is not present in population databases (gnomAD no frequency). This variant has not been reported in the literature in individuals affected with DNAJB6-related conditions. Invitae Evidence Modeling of protein sequence and biophysical properties (such as structural, functional, and spatial information, amino acid conservation, physicochemical variation, residue mobility, and thermodynamic stability) indicates that this missense variant is expected to disrupt DNAJB6 protein function with a positive predictive value of 80%. In summary, the available evidence is currently insufficient to determine the role of this variant in disease. Therefore, it has been classified as a Variant of Uncertain Significance.

NM_058246.4(DNAJB6):c.643A>G (p.Arg215Gly)

Gene: DNAJB6 (DnaJ heat shock protein family (Hsp40) member B6; plus strand). Cytogenetic location: 7q36.3.
Variant type: single nucleotide variant.
Coding change: c.643A>G on transcript NM_058246.4 (MANE Select); coding-DNA position 643, A replaced by G.
Protein change: p.Arg215Gly; replaces arginine 215 with glycine.
Molecular consequence: missense variant. On other transcripts: intron variant (1).
Genome position (GRCh38, 1-based): chr7:157,385,563, A>G. VCF-style: chr7-157385563-A-G. GRCh37 (hg19) VCF-style: chr7-157178257-A-G.
Other names: c.643A>G, p.Arg215Gly (NM_005494.3); c.346+18080A>G (NM_001363676.1); short protein forms R215G.
Identifiers: ClinVar variation 4243081 (VCV004243081.2).